The following is an entry in ClinVar:

ClinVar aggregate classification (germline): Conflicting classifications of pathogenicity. Review status: criteria provided, conflicting classifications (1 of 4 stars). 3 submissions from 3 submitters: Uncertain significance (2); Likely benign (1). Last evaluated 2026-01-26.

Conditions:
MBD4-related disorder. Also called: MBD4-related condition.
Inborn genetic diseases. Identifiers: MedGen C0950123, MeSH D030342.

Allele frequency attached by ClinVar (database versions not stated): ExAC 0.00001; gnomAD exomes 0.00001; TOPMed 0.00002; gnomAD 0.00003.
gnomAD v4.1: 9 of 1,613,896 alleles (0.00056%); highest among the groups gnomAD compares: Admixed American, 0.015%; 1 homozygote.

Submissions (3):

Labcorp Genetics (formerly Invitae), Labcorp
Classification: Uncertain significance. Last evaluated: 2026-01-26. Review status: criteria provided, single submitter. Criteria: Invitae Variant Classification Sherloc (09022015). Collection method: clinical testing. Allele origin: germline.
Comment: This sequence change replaces aspartic acid, which is acidic and polar, with glutamic acid, which is acidic and polar, at codon 341 of the MBD4 protein (p.Asp341Glu). This variant is present in population databases (rs776851968, gnomAD 0.01%). This variant has not been reported in the literature in individuals affected with MBD4-related conditions. ClinVar contains an entry for this variant (Variation ID: 2001927). An algorithm developed to predict the effect of missense changes on protein structure and function outputs the following: PolyPhen-2: "Benign". The glutamic acid amino acid residue is found in multiple mammalian species, which suggests that this missense change does not adversely affect protein function. In summary, the available evidence is currently insufficient to determine the role of this variant in disease. Therefore, it has been classified as a Variant of Uncertain Significance.

Ambry Genetics
Classification: Likely benign for Inborn genetic diseases. Last evaluated: 2025-10-07. Review status: criteria provided, single submitter. Criteria: Ambry Variant Classification Scheme 2023. Collection method: clinical testing. Allele origin: germline.

PreventionGenetics, part of Exact Sciences
Classification: Uncertain significance for MBD4-related condition. Last evaluated: 2025-04-11. Review status: criteria provided, single submitter. Criteria: ACMG Guidelines, 2015. Collection method: clinical testing. Allele origin: germline.
Comment: The MBD4 c.1023C>G variant is predicted to result in the amino acid substitution p.Asp341Glu. To our knowledge, this variant has not been reported in the literature. This variant is reported in 0.012% of alleles in individuals of Latino descent in gnomAD. At this time, the clinical significance of this variant is uncertain due to the absence of conclusive functional and genetic evidence.

NM_001276270.2(MBD4):c.1023C>G (p.Asp341Glu)

Gene: MBD4 (methyl-CpG binding domain 4, DNA glycosylase; minus strand). Cytogenetic location: 3q21.3.
Variant type: single nucleotide variant.
Coding change: c.1023C>G on transcript NM_001276270.2 (MANE Select); coding-DNA position 1023, C replaced by G.
Protein change: p.Asp341Glu; replaces aspartic acid 341 with glutamic acid.
Molecular consequence: missense variant. On other transcripts: intron variant (1).
Genome position (GRCh38, 1-based): chr3:129,436,621, G>C on the plus strand (C>G on the coding strand, the complement: MBD4 is on the minus strand). VCF-style: chr3-129436621-G-C. GRCh37 (hg19) VCF-style: chr3-129155464-G-C.
Other names: c.1023C>G (NM_003925.2); c.1023C>G, p.Asp341Glu (NM_001276271.2, NM_001276272.2, NM_003925.3); c.247+1187C>G (NM_001276273.2); short protein forms D341E.
Identifiers: ClinVar variation 2001927 (VCV002001927.7), dbSNP rs776851968, ClinGen allele CA2605430.
Genomic context (GRCh38, chr3:129,436,621, plus strand): 5'-TTTTGTTCCGATTTCTTCAGATTCTAAAAAGGTATCCTCATACTTCTCGTTGTGTTCTGA[G>C]TCTTTGGCTGAACAAAATTTGTTTATGATGCCAGAAGTTTTTTGTTCAGAACAAAAATTT-3'
Protein context (NP_001263199.1, residues 331-351): GIINKFCSAK[Asp341Glu]SEHNEKYEDT